The following is an entry in ClinVar:

NM_000222.3(KIT):c.388A>C (p.Asn130His)

Gene: KIT (KIT proto-oncogene, receptor tyrosine kinase; plus strand). Cytogenetic location: 4q12.
Variant type: single nucleotide variant.
Coding change: c.388A>C on transcript NM_000222.3 (MANE Select); coding-DNA position 388, A replaced by C.
Protein change: p.Asn130His; replaces asparagine 130 with histidine.
Molecular consequence: missense variant.
Genome position (GRCh38, 1-based): chr4:54,698,334, A>C. VCF-style: chr4-54698334-A-C. GRCh37 (hg19) VCF-style: chr4-55564500-A-C.
Other names: c.388A>C, p.Asn130His (NM_001093772.2, NM_001385284.1, NM_001385285.1 and 4 more transcripts); short protein forms N130H.
Identifiers: ClinVar variation 1735866 (VCV001735866.2), dbSNP rs764213036, ClinGen allele CA356897482.

ClinVar aggregate classification (germline): Uncertain significance (1 of 4 stars; one submission).

Conditions:
Hereditary cancer-predisposing syndrome. Also called: Neoplastic Syndromes, Hereditary; Tumor predisposition; Hereditary Cancer Syndrome; Hereditary neoplastic syndrome. Identifiers: Orphanet 140162, MedGen C0027672, MeSH D009386, MONDO:0015356.

Submission:

Ambry Genetics
Classification: Uncertain significance for Hereditary cancer-predisposing syndrome. Last evaluated: 2021-12-10. Review status: criteria provided, single submitter. Criteria: Ambry Variant Classification Scheme 2023. Collection method: clinical testing. Allele origin: germline.
Comment: The p.N130H variant (also known as c.388A>C), located in coding exon 3 of the KIT gene, results from an A to C substitution at nucleotide position 388. The asparagine at codon 130 is replaced by histidine, an amino acid with similar properties. This amino acid position is conserved. In addition, this alteration is predicted to be tolerated by in silico analysis. Since supporting evidence is limited at this time, the clinical significance of this alteration remains unclear.